The following is an entry in ClinVar:

ClinVar aggregate classification (germline): Uncertain significance. Review status: criteria provided, multiple submitters, no conflicts (2 of 4 stars). 2 submissions from 2 submitters: Uncertain significance (2). Last evaluated 2023-10-13.

Conditions:
Inborn genetic diseases. Identifiers: MedGen C0950123, MeSH D030342.

Allele frequency attached by ClinVar (database versions not stated): gnomAD exomes below 0.00001; TOPMed 0.00001.
gnomAD v4.1: 2 of 1,614,222 alleles (0.00012%); highest among the groups gnomAD compares: South Asian, 0.0011%; no homozygotes.

Submissions (2):

Ambry Genetics
Classification: Uncertain significance for Inborn genetic diseases. Last evaluated: 2023-10-13. Review status: criteria provided, single submitter. Criteria: Ambry Variant Classification Scheme 2023. Collection method: clinical testing. Allele origin: germline.

GeneDx
Classification: Uncertain significance. Last evaluated: 2022-04-06. Review status: criteria provided, single submitter. Criteria: GeneDx Variant Classification Process June 2021. Collection method: clinical testing. Allele origin: germline. Affected: yes.
Comment: Not observed at significant frequency in large population cohorts (gnomAD); In silico analysis supports that this missense variant has a deleterious effect on protein structure/function; Has not been previously published as pathogenic or benign to our knowledge

NM_001083961.2(WDR62):c.2711C>T (p.Pro904Leu)

Gene: WDR62 (WD repeat domain 62; plus strand). Cytogenetic location: 19q13.12.
Variant type: single nucleotide variant.
Coding change: c.2711C>T on transcript NM_001083961.2 (MANE Select); coding-DNA position 2711, C replaced by T.
Protein change: p.Pro904Leu; replaces proline 904 with leucine.
Molecular consequence: missense variant.
Genome position (GRCh38, 1-based): chr19:36,099,589, C>T. VCF-style: chr19-36099589-C-T. GRCh37 (hg19) VCF-style: chr19-36590491-C-T.
Other names: c.2696C>T, p.Pro899Leu (NM_001411145.1); c.2711C>T, p.Pro904Leu (NM_001411146.1, NM_173636.5); c.2360C>T, p.Pro787Leu (NM_001411147.1); short protein forms P787L, P899L, P904L.
Identifiers: ClinVar variation 1708600 (VCV001708600.3), dbSNP rs1254308891, ClinGen allele CA405444821.